The following is an entry in ClinVar:

ClinVar aggregate classification (germline): Uncertain significance (1 of 4 stars; one submission).

Conditions:
Inborn genetic diseases. Identifiers: MedGen C0950123, MeSH D030342.

gnomAD v4.1: 1 of 1,604,990 alleles (0.000062%); highest among the groups gnomAD compares: Non-Finnish European, 0.000085%; no homozygotes.

Submission:

Ambry Genetics
Classification: Uncertain significance for Inborn genetic diseases. Last evaluated: 2026-03-19. Review status: criteria provided, single submitter. Criteria: Ambry Variant Classification Scheme 2023. Collection method: clinical testing. Allele origin: germline.
Comment: The c.47T>G (p.F16C) alteration is located in exon 3 (coding exon 1) of the TMEM98 gene. This alteration results from a T to G substitution at nucleotide position 47, causing the phenylalanine (F) at amino acid position 16 to be replaced by a cysteine (C). Based on data from gnomAD, the G allele has an overall frequency of <0.001% (0/234252) total alleles studied. The highest observed frequency was <0.001% (/) of alleles. Based on insufficient or conflicting evidence, the clinical significance of this alteration remains unclear.

NM_015544.3(TMEM98):c.47T>G (p.Phe16Cys)

Gene: TMEM98 (transmembrane protein 98; plus strand). Cytogenetic location: 17q11.2.
Variant type: single nucleotide variant.
Coding change: c.47T>G on transcript NM_015544.3 (MANE Select); coding-DNA position 47, T replaced by G.
Protein change: p.Phe16Cys; replaces phenylalanine 16 with cysteine.
Molecular consequence: missense variant.
Genome position (GRCh38, 1-based): chr17:32,931,575, T>G. VCF-style: chr17-32931575-T-G. GRCh37 (hg19) VCF-style: chr17-31258593-T-G.
Other names: c.47T>G, p.Phe16Cys (NM_001033504.2, NM_001301746.2); short protein forms F16C.
Identifiers: ClinVar variation 4865761 (VCV004865761.1).